The following is an entry in ClinVar:

NM_198578.4(LRRK2):c.704C>T (p.Pro235Leu)

Gene: LRRK2 (leucine rich repeat kinase 2; plus strand). Cytogenetic location: 12q12.
Variant type: single nucleotide variant.
Coding change: c.704C>T on transcript NM_198578.4 (MANE Select); coding-DNA position 704, C replaced by T.
Protein change: p.Pro235Leu; replaces proline 235 with leucine.
Molecular consequence: missense variant.
Genome position (GRCh38, 1-based): chr12:40,240,615, C>T. VCF-style: chr12-40240615-C-T. GRCh37 (hg19) VCF-style: chr12-40634417-C-T.
Other names: short protein forms P235L.
Identifiers: ClinVar variation 1756873 (VCV001756873.2), dbSNP rs2499437109, ClinGen allele CA384405019.

ClinVar aggregate classification (germline): Uncertain significance (1 of 4 stars; one submission).

Conditions:
Inborn genetic diseases. Identifiers: MedGen C0950123, MeSH D030342.

Allele frequency attached by ClinVar (database versions not stated): gnomAD exomes below 0.00001.
gnomAD v4.1: 1 of 1,612,714 alleles (0.000062%); highest among the groups gnomAD compares: Non-Finnish European, 0.000085%; no homozygotes.

Submission:

Ambry Genetics
Classification: Uncertain significance for Inborn genetic diseases. Last evaluated: 2021-12-13. Review status: criteria provided, single submitter. Criteria: Ambry Variant Classification Scheme 2023. Collection method: clinical testing. Allele origin: germline.
Comment: The p.P235L variant (also known as c.704C>T), located in coding exon 6 of the LRRK2 gene, results from a C to T substitution at nucleotide position 704. The proline at codon 235 is replaced by leucine, an amino acid with similar properties. This amino acid position is conserved. In addition, this alteration is predicted to be tolerated by in silico analysis. Since supporting evidence is limited at this time, the clinical significance of this alteration remains unclear.